The following is an entry in ClinVar:

NM_130837.3(OPA1):c.678+13G>C

Genes: OPA1 (OPA1 mitochondrial dynamin like GTPase; plus strand), OPA1-AS1 (OPA1 antisense RNA 1; minus strand). Cytogenetic location: 3q29.
Variant type: single nucleotide variant.
Coding change: c.678+13G>C on transcript NM_130837.3 (MANE Select); 13 bases into the intron after coding-DNA position 678, G replaced by C.
Molecular consequence: intron variant.
Genome position (GRCh38, 1-based): chr3:193,618,949, G>C. VCF-style: chr3-193618949-G-C. GRCh37 (hg19) VCF-style: chr3-193336738-G-C.
Other names: c.252+13G>C (NM_001354664.2); c.144+13G>C (NM_001354663.2); c.678+13G>C (NM_130834.3); c.624+13G>C (NM_130836.3, NM_015560.3); c.570+13G>C (NM_130835.3, NM_130832.3); c.516+13G>C (NM_130833.3, NM_130831.3).
Identifiers: ClinVar variation 900793 (VCV000900793.12), dbSNP rs561115644, ClinGen allele CA2759094.

ClinVar aggregate classification (germline): Benign/Likely benign. Review status: criteria provided, multiple submitters, no conflicts (2 of 4 stars). 3 submissions from 3 submitters: Benign (2); Likely benign (1). Last evaluated 2025-11-04.

Conditions:
Autosomal dominant optic atrophy classic form (OPA1). Also called: Optic Atrophy Type 1; KJER-TYPE OPTIC ATROPHY; OPTIC ATROPHY, JUVENILE. Identifiers: Orphanet 98673, MedGen C0338508, MONDO:0008134, OMIM 165500.

Allele frequency attached by ClinVar (database versions not stated): gnomAD 0.00006 and 0.00010; gnomAD exomes 0.00008 and 0.00018; TOPMed 0.00008; ExAC 0.00017; 1000 Genomes Project 30x 0.00078; 1000 Genomes Project 0.00080.
gnomAD v4.1: 138 of 1,605,502 alleles (0.0086%); highest among the groups gnomAD compares: East Asian, 0.23%; no homozygotes.

Submissions (3):

Labcorp Genetics (formerly Invitae), Labcorp
Classification: Benign. Last evaluated: 2025-11-04. Review status: criteria provided, single submitter. Criteria: Invitae Variant Classification Sherloc (09022015). Collection method: clinical testing. Allele origin: germline.

Blueprint Genetics
Classification: Likely benign. Last evaluated: 2024-03-05. Review status: criteria provided, single submitter. Criteria: ACMG Guidelines, 2015. Collection method: clinical testing. Allele origin: germline.

Illumina Laboratory Services, Illumina
Classification: Benign for Autosomal dominant optic atrophy classic form. Last evaluated: 2018-01-12. Review status: criteria provided, single submitter. Criteria: ICSL Variant Classification Criteria 13 December 2019. Collection method: clinical testing. Allele origin: germline.
Comment: This variant was observed in the ICSL laboratory as part of a predisposition screen in an ostensibly healthy population. It had not been previously curated by ICSL or reported in the Human Gene Mutation Database (HGMD: prior to June 1st, 2018), and was therefore a candidate for classification through an automated scoring system. Utilizing variant allele frequency, disease prevalence and penetrance estimates, and inheritance mode, an automated score was calculated to assess if this variant is too frequent to cause the disease. Based on the score and internal cut-off values, a variant classified as benign is not then subjected to further curation. The score for this variant resulted in a classification of benign for this disease.